The following is an entry in ClinVar:

ClinVar aggregate classification (germline): Uncertain significance. Review status: criteria provided, multiple submitters, no conflicts (2 of 4 stars). 3 submissions from 3 submitters: Uncertain significance (3). Last evaluated 2025-06-18.

Conditions:
Arrhythmogenic right ventricular cardiomyopathy (ARVD). Also called: Arrhythmogenic cardiomyopathy; Cardiomyopathy, ARVC; Arrhythmogenic right ventricular dysplasia; Arrhythmogenic Right Ventricular Cardiomyopathy (ARVC). Identifiers: Orphanet 247, MedGen C0349788, MeSH D019571, MONDO:0016587. Disease mechanism: loss of function. Inheritance: Various modes of inheritance.
Cardiomyopathy (CMYO). Also called: Cardiomyopathies. Identifiers: Orphanet 167848, MedGen C0878544, MONDO:0004994, HP:0001638. Inheritance: Various modes of inheritance.
Arrhythmogenic right ventricular dysplasia 9 (ARVD9). Also called: Arrhythmogenic Right Ventricular Dysplasia/Cardiomyopathy 9; ARRHYTHMOGENIC RIGHT VENTRICULAR DYSPLASIA, FAMILIAL, 9. Identifiers: MedGen C1836906, MONDO:0012180, OMIM 609040.

Allele frequency attached by ClinVar (database versions not stated): gnomAD exomes below 0.00001 and 0.00001; gnomAD 0.00001; TOPMed 0.00001.
gnomAD v4.1: 14 of 1,612,286 alleles (0.00087%); highest among the groups gnomAD compares: Non-Finnish European, 0.0012%; no homozygotes.

Submissions (3):

Labcorp Genetics (formerly Invitae), Labcorp
Classification: Uncertain significance for Arrhythmogenic right ventricular dysplasia 9. Last evaluated: 2025-06-18. Review status: criteria provided, single submitter. Criteria: Invitae Variant Classification Sherloc (09022015). Collection method: clinical testing. Allele origin: germline.
Comment: This sequence change replaces arginine, which is basic and polar, with lysine, which is basic and polar, at codon 125 of the PKP2 protein (p.Arg125Lys). This variant is present in population databases (no rsID available, gnomAD 0.002%). This variant has not been reported in the literature in individuals affected with PKP2-related conditions. ClinVar contains an entry for this variant (Variation ID: 922159). An algorithm developed to predict the effect of missense changes on protein structure and function outputs the following: PolyPhen-2: "Benign". The lysine amino acid residue is found in multiple mammalian species, which suggests that this missense change does not adversely affect protein function. In summary, the available evidence is currently insufficient to determine the role of this variant in disease. Therefore, it has been classified as a Variant of Uncertain Significance.

Color Diagnostics, LLC DBA Color Health
Classification: Uncertain significance for Cardiomyopathy. Last evaluated: 2024-03-06. Review status: criteria provided, single submitter. Criteria: ACMG Guidelines, 2015. Collection method: clinical testing. Allele origin: germline.
Comment: This missense variant replaces arginine with lysine at codon 125 of the PKP2 protein. Computational prediction suggests that this variant may not impact protein structure and function (internally defined REVEL score threshold <= 0.5, PMID: 27666373). To our knowledge, functional studies have not been reported for this variant. This variant has not been reported in individuals affected with cardiovascular disorders in the literature. This variant has been identified in 2/280122 chromosomes in the general population by the Genome Aggregation Database (gnomAD). The available evidence is insufficient to determine the role of this variant in disease conclusively. Therefore, this variant is classified as a Variant of Uncertain Significance.

All of Us Research Program, National Institutes of Health
Classification: Uncertain significance for Arrhythmogenic right ventricular cardiomyopathy. Last evaluated: 2023-11-28. Review status: criteria provided, single submitter. Criteria: ACMG Guidelines, 2015. Collection method: clinical testing. Allele origin: germline. Inheritance: Autosomal dominant inheritance. Observed: 3 variant alleles, 3 heterozygotes.
Comment: This missense variant replaces arginine with lysine at codon 125 of the PKP2 protein. Computational prediction suggests that this variant may not impact protein structure and function (internally defined REVEL score threshold <= 0.5, PMID: 27666373). To our knowledge, functional studies have not been reported for this variant. This variant has not been reported in individuals affected with cardiovascular disorders in the literature. This variant has been identified in 2/280122 chromosomes in the general population by the Genome Aggregation Database (gnomAD). The available evidence is insufficient to determine the role of this variant in disease conclusively. Therefore, this variant is classified as a Variant of Uncertain Significance.

This study involves interpretation of variants in research participants for the purpose of population health screening. Participant phenotype was not available at the time of variant classification. Additional details can be found in publication PMID: 35346344, PMCID: PMC8962531

NM_001005242.3(PKP2):c.374G>A (p.Arg125Lys)

Gene: PKP2 (plakophilin 2; minus strand). Cytogenetic location: 12p11.21.
Variant type: single nucleotide variant.
Coding change: c.374G>A on transcript NM_001005242.3 (MANE Select); coding-DNA position 374, G replaced by A.
Protein change: p.Arg125Lys; replaces arginine 125 with lysine.
Molecular consequence: missense variant.
Genome position (GRCh38, 1-based): chr12:32,878,506, C>T on the plus strand (G>A on the coding strand, the complement: PKP2 is on the minus strand). VCF-style: chr12-32878506-C-T. GRCh37 (hg19) VCF-style: chr12-33031440-C-T.
Other names: c.374G>A, p.Arg125Lys (NM_004572.4); short protein forms R125K.
Identifiers: ClinVar variation 922159 (VCV000922159.13), dbSNP rs1278479150, ClinGen allele CA384365445.